The following is an entry in ClinVar:

NM_022489.4(INF2):c.2019_2022del (p.Lys673fs)

Gene: INF2 (inverted formin 2; plus strand). Cytogenetic location: 14q32.33.
Variant type: Deletion.
Coding change: c.2019_2022del on transcript NM_022489.4 (MANE Select); coding-DNA positions 2019 to 2022, 4 bases deleted (ACAA; older notation c.2019_2022delACAA).
Protein change: p.Lys673fs; shifts the reading frame from lysine 673.
Molecular consequence: frameshift variant.
Genome position (GRCh38, 1-based): chr14:104,709,350-104,709,353, ACAA deleted; deleting any 4 consecutive bases within chr14:104,709,347-104,709,353 gives the same sequence; the c. name uses the placement nearest the transcript's 3' end. VCF-style (leftmost placement, unchanged base first): chr14-104709346-TCAAA-T. GRCh37 (hg19) VCF-style: chr14-105175683-TCAAA-T.
Other names: c.2019_2022del, p.Lys673fs (NM_001031714.4); short protein forms K673fs.
Identifiers: ClinVar variation 402978 (VCV000402978.4), dbSNP rs1060499868, ClinGen allele CA16609760.
Genomic context (GRCh38, chr14:104,709,346, plus strand): 5'-ACGAGGAGGTCGCTGCTATGATCCGGGCTGGAGATACCACCAAGTTTGATGTGGAGGTTC[TCAAA>T]CAACTCCTTAAGCTCCTTCCCGAGAAGCACGAGGTAAGAGGACCACCCCCACACCCCACC-3'

ClinVar aggregate classification (germline): Uncertain significance (1 of 4 stars; one submission).

Submission:

Laboratory for Molecular Medicine, Mass General Brigham Personalized Medicine
Classification: Uncertain significance. Last evaluated: 2016-03-29. Review status: criteria provided, single submitter. Criteria: LMM Criteria. Collection method: clinical testing. Allele origin: germline.
Comment: Variant identified in a genome or exome case(s) and assessed due to predicted null impact of the variant or pathogenic assertions in the literature or databases. Disclaimer: This variant has not undergone full assessment. The following are preliminary notes: Only missense and in-frame deletion variants are associated with AD Charcot-Marie-Tooth disease and focal segmental glomerulosclerosis. This frameshift is on an alternatively spliced exon.